The following is an entry in ClinVar:

ClinVar aggregate classification (germline): Uncertain significance. Review status: criteria provided, multiple submitters, no conflicts (2 of 4 stars). 2 submissions from 2 submitters: Uncertain significance (2). Last evaluated 2022-09-20.

Conditions:
Congenital myasthenic syndrome 9. Also called: Myasthenic syndrome, congenital, 9, associated with acetylcholine receptor deficiency. Identifiers: Orphanet 590, MedGen C4225368, MONDO:0014587, OMIM 616325.
Fetal akinesia deformation sequence 1 (FADS1). Also called: Pena-Shokeir syndrome type I; Fetal akinesia sequence. Identifiers: Orphanet 994, MedGen C1276035, MONDO:0100101, OMIM 208150, HP:0001989.

Allele frequency attached by ClinVar (database versions not stated): gnomAD 0.00002 and 0.00003; ExAC 0.00003; gnomAD exomes 0.00003 and 0.00004; TOPMed 0.00003.
gnomAD v4.1: 46 of 1,526,254 alleles (0.003%); highest among the groups gnomAD compares: East Asian, 0.023%; no homozygotes.

Submissions (2):

Labcorp Genetics (formerly Invitae), Labcorp
Classification: Uncertain significance for Congenital myasthenic syndrome 9; Fetal akinesia deformation sequence 1. Last evaluated: 2022-09-20. Review status: criteria provided, single submitter. Criteria: Invitae Variant Classification Sherloc (09022015). Collection method: clinical testing. Allele origin: germline.
Comment: This sequence change replaces arginine, which is basic and polar, with glutamine, which is neutral and polar, at codon 854 of the MUSK protein (p.Arg854Gln). This variant is present in population databases (rs754275653, gnomAD 0.02%). This variant has not been reported in the literature in individuals affected with MUSK-related conditions. ClinVar contains an entry for this variant (Variation ID: 913032). Advanced modeling of protein sequence and biophysical properties (such as structural, functional, and spatial information, amino acid conservation, physicochemical variation, residue mobility, and thermodynamic stability) performed at Invitae indicates that this missense variant is not expected to disrupt MUSK protein function. In summary, the available evidence is currently insufficient to determine the role of this variant in disease. Therefore, it has been classified as a Variant of Uncertain Significance.

Illumina Laboratory Services, Illumina
Classification: Uncertain significance for Congenital myasthenic syndrome 9. Last evaluated: 2017-04-27. Review status: criteria provided, single submitter. Criteria: ICSL Variant Classification Criteria 13 December 2019. Collection method: clinical testing. Allele origin: germline.

NM_005592.4(MUSK):c.2561G>A (p.Arg854Gln)

Gene: MUSK (muscle associated receptor tyrosine kinase; plus strand). Cytogenetic location: 9q31.3.
Variant type: single nucleotide variant.
Coding change: c.2561G>A on transcript NM_005592.4 (MANE Select); coding-DNA position 2561, G replaced by A.
Protein change: p.Arg854Gln; replaces arginine 854 with glutamine.
Molecular consequence: missense variant.
Genome position (GRCh38, 1-based): chr9:110,800,939, G>A. VCF-style: chr9-110800939-G-A. GRCh37 (hg19) VCF-style: chr9-113563219-G-A.
Other names: c.2303G>A, p.Arg768Gln (NM_001166280.2); c.2273G>A, p.Arg758Gln (NM_001166281.2); c.1301G>A, p.Arg434Gln (NM_001369398.1); short protein forms R758Q, R434Q, R768Q, R854Q.
Identifiers: ClinVar variation 913032 (VCV000913032.8), dbSNP rs754275653, ClinGen allele CA5184649.